The following is an entry in ClinVar:

NM_001267550.2(TTN):c.4995G>A (p.Gly1665=)

Gene: TTN (titin; minus strand). Cytogenetic location: 2q31.2.
Variant type: single nucleotide variant.
Coding change: c.4995G>A on transcript NM_001267550.2 (MANE Select); coding-DNA position 4995, G replaced by A.
Protein change: p.Gly1665=; no amino-acid change (glycine 1665 retained).
Molecular consequence: synonymous variant.
Genome position (GRCh38, 1-based): chr2:178,776,869, C>T on the plus strand (G>A on the coding strand, the complement: TTN is on the minus strand). VCF-style: chr2-178776869-C-T. GRCh37 (hg19) VCF-style: chr2-179641596-C-T.
Other names: c.4995G>A, p.Gly1665= (NM_133378.4, NM_001256850.1, NM_133379.5); c.4857G>A, p.Gly1619= (NM_003319.4, NM_133432.3, NM_133437.4).
Identifiers: ClinVar variation 892695 (VCV000892695.19), dbSNP rs755324231, ClinGen allele CA2005234.

ClinVar aggregate classification (germline): Conflicting classifications of pathogenicity. Review status: criteria provided, conflicting classifications (1 of 4 stars). 8 submissions from 4 submitters: Uncertain significance (5); Likely benign (3). Last evaluated 2025-08-12.

Conditions:
Myopathy, myofibrillar, 9, with early respiratory failure (MFM9). Also called: Myopathy, distal, with early respiratory failure, autosomal dominant; Hereditary myopathy with early respiratory failure; EDSTROM MYOPATHY; MYOPATHY, PROXIMAL, WITH EARLY RESPIRATORY MUSCLE INVOLVEMENT. Identifiers: Orphanet 178464, Orphanet 34521, MedGen C1863599, MONDO:0011362, OMIM 603689.
TTN-related disorder. Also called: TTN-related condition; TTN-related disease; TTN-related disorders.
Autosomal recessive limb-girdle muscular dystrophy type 2J (LGMDR10). Also called: MUSCULAR DYSTROPHY, LIMB-GIRDLE, AUTOSOMAL RECESSIVE 10; Limb-girdle muscular dystrophy, type 2J. Identifiers: Orphanet 140922, MedGen C1837342, MONDO:0012127, OMIM 608807.
Tibial muscular dystrophy (TMD). Also called: UDD MYOPATHY; Udd Distal Myopathy – Tibial Muscular Dystrophy; Tibial muscular dystrophy, tardive. Identifiers: Orphanet 609, MedGen C1838244, MONDO:0010870, OMIM 600334.
Cardiovascular phenotype. Identifiers: MedGen CN230736.
Dilated cardiomyopathy 1G (CMD1G). Identifiers: Orphanet 154, MedGen C1858763, MONDO:0011400, OMIM 604145.
Early-onset myopathy with fatal cardiomyopathy (CMYO5). Also called: CONGENITAL MYOPATHY 5 WITH CARDIOMYOPATHY; Salih Myopathy. Identifiers: Orphanet 289377, MedGen C2673677, MONDO:0012714, OMIM 611705. Disease mechanism: loss of function.

Allele frequency attached by ClinVar (database versions not stated): gnomAD exomes below 0.00001 and 0.00001; ExAC 0.00001; gnomAD 0.00001; TOPMed 0.00002.
gnomAD v4.1: 6 of 1,613,442 alleles (0.00037%); highest among the groups gnomAD compares: African/African-American, 0.004%; no homozygotes.

Submissions (8):

Labcorp Genetics (formerly Invitae), Labcorp
Classification: Likely benign for Dilated cardiomyopathy 1G; Autosomal recessive limb-girdle muscular dystrophy type 2J. Last evaluated: 2025-08-12. Review status: criteria provided, single submitter. Criteria: Invitae Variant Classification Sherloc (09022015). Collection method: clinical testing. Allele origin: germline.

PreventionGenetics, part of Exact Sciences
Classification: Likely benign for TTN-related condition. Last evaluated: 2025-05-22. Review status: criteria provided, single submitter. Criteria: ACMG Guidelines, 2015. Collection method: clinical testing. Allele origin: germline.
Comment: This variant is classified as likely benign based on ACMG/AMP sequence variant interpretation guidelines (Richards et al. 2015 PMID: 25741868, with internal and published modifications).

Ambry Genetics
Classification: Likely benign for Cardiovascular phenotype. Last evaluated: 2022-09-12. Review status: criteria provided, single submitter. Criteria: Ambry Variant Classification Scheme 2023. Collection method: clinical testing. Allele origin: germline.

Illumina Laboratory Services, Illumina
Classification: Uncertain significance for Tibial muscular dystrophy. Last evaluated: 2018-01-13. Review status: criteria provided, single submitter. Criteria: ICSL Variant Classification Criteria 13 December 2019. Collection method: clinical testing. Allele origin: germline.

Illumina Laboratory Services, Illumina
Classification: Uncertain significance for Myopathy, myofibrillar, 9, with early respiratory failure. Last evaluated: 2018-01-13. Review status: criteria provided, single submitter. Criteria: ICSL Variant Classification Criteria 13 December 2019. Collection method: clinical testing. Allele origin: germline.

Illumina Laboratory Services, Illumina
Classification: Uncertain significance for Dilated cardiomyopathy 1G. Last evaluated: 2018-01-13. Review status: criteria provided, single submitter. Criteria: ICSL Variant Classification Criteria 13 December 2019. Collection method: clinical testing. Allele origin: germline.

Illumina Laboratory Services, Illumina
Classification: Uncertain significance for Autosomal recessive limb-girdle muscular dystrophy type 2J. Last evaluated: 2018-01-13. Review status: criteria provided, single submitter. Criteria: ICSL Variant Classification Criteria 13 December 2019. Collection method: clinical testing. Allele origin: germline.

Illumina Laboratory Services, Illumina
Classification: Uncertain significance for Early-onset myopathy with fatal cardiomyopathy. Last evaluated: 2018-01-13. Review status: criteria provided, single submitter. Criteria: ICSL Variant Classification Criteria 13 December 2019. Collection method: clinical testing. Allele origin: germline.